The following continues an entry in ClinVar:

NM_172107.4(KCNQ2):c.910TTC[1] (p.Phe305del)

Gene: KCNQ2. ClinVar aggregate classification (germline): Pathogenic/Likely pathogenic. Pathogenic (11); Likely pathogenic (1).

Submissions 13 to 20 of 20:

Section for Clinical Neurogenetics, University of Tübingen
Classification: Likely pathogenic for Developmental and epileptic encephalopathy, 7. Last evaluated: 2019-08-01. Review status: no assertion criteria provided. Collection method: research. Allele origin: germline. Affected: yes. Not counted in ClinVar's aggregate classification.

Channelopathy-Associated Epilepsy Research Center
No classification provided (evidence only). Condition: Complex neurodevelopmental disorder. Review status: no classification provided. Collection method: literature only. Allele origin: not applicable. Functional consequence: Severe decrease in peak current, Mild slowing of activation, Normal voltage dependence of activation. Not counted in ClinVar's aggregate classification.
ClinVar note: "not provided" was previously submitted as the classification for the variant. However, the classification appeared to be based only on an observation of functional data so it was converted to no classification on 2025-07-30.

Channelopathy-Associated Epilepsy Research Center
No classification provided (evidence only). Review status: no classification provided. Collection method: in vitro. Allele origin: not applicable. Functional consequence: Decrease in peak current. Not counted in ClinVar's aggregate classification.

Channelopathy-Associated Epilepsy Research Center
No classification provided (evidence only). Review status: no classification provided. Collection method: in vitro. Allele origin: not applicable. Functional consequence: Decrease in peak current. Not counted in ClinVar's aggregate classification.

Channelopathy-Associated Epilepsy Research Center
No classification provided (evidence only). Review status: no classification provided. Collection method: in vitro. Allele origin: not applicable. Functional consequence: Normal voltage dependence of activation. Not counted in ClinVar's aggregate classification.

Channelopathy-Associated Epilepsy Research Center
No classification provided (evidence only). Review status: no classification provided. Collection method: in vitro. Allele origin: not applicable. Functional consequence: Increase in slope of activation. Not counted in ClinVar's aggregate classification.

Channelopathy-Associated Epilepsy Research Center
No classification provided (evidence only). Review status: no classification provided. Collection method: in vitro. Allele origin: not applicable. Functional consequence: Normal rate of activation. Not counted in ClinVar's aggregate classification.

GeneReviews
No classification provided. Condition: Benign Rolandic epilepsy. Review status: no classification provided. Collection method: literature only. Allele origin: germline. Affected: yes. Not counted in ClinVar's aggregate classification.
Comment: BECTS (benign childhood epilepsy with centrotemporal spikes)

Functional effect: Lack of functional homomeric channels

Literature cited by the submitters: PubMed 35723786 (cited by Women's Health and Genetics/Laboratory Corporation of America, LabCorp); PubMed 18640800 (cited by 4 submitters); PubMed 25473036 (cited by Labcorp Genetics (formerly Invitae), Labcorp); PubMed 27602407 (cited by Labcorp Genetics (formerly Invitae), Labcorp and Dasa); PubMed 28728838 (cited by Labcorp Genetics (formerly Invitae), Labcorp and Dasa); PubMed 22884718 (cited by Dasa and GeneReviews); PubMed 32214227 (cited by Dasa and Section for Clinical Neurogenetics, University of Tübingen); PubMed 35104249 (cited by Channelopathy-Associated Epilepsy Research Center); NCBI Bookshelf NBK32534 (cited by GeneReviews).